The following is an entry in ClinVar:

ClinVar aggregate classification (germline): Uncertain significance. Review status: criteria provided, multiple submitters, no conflicts (2 of 4 stars). 2 submissions from 2 submitters: Uncertain significance (2). Last evaluated 2023-09-13.

Conditions:
Cardiovascular phenotype. Identifiers: MedGen CN230736.

Submissions (2):

Revvity Omics, Revvity
Classification: Uncertain significance. Last evaluated: 2023-09-13. Review status: criteria provided, single submitter. Criteria: ACMG Guidelines, 2015. Collection method: clinical testing. Allele origin: germline.

Ambry Genetics
Classification: Uncertain significance for Cardiovascular phenotype. Last evaluated: 2016-05-20. Review status: criteria provided, single submitter. Criteria: Ambry Variant Classification Scheme 2023. Collection method: clinical testing. Allele origin: germline.
Comment: The p.M9246T variant (also known as c.27737T>C), located in coding exon 110 of the TTN gene, results from a T to C substitution at nucleotide position 27737. The methionine at codon 9246 is replaced by threonine, an amino acid with similar properties, and is located in the A-band region of the N2-B isoform of the titin protein. This variant was not reported in population based cohorts in the following databases: Database of Single Nucleotide Polymorphisms (dbSNP), NHLBI Exome Sequencing Project (ESP), and 1000 Genomes Project. In the ESP, this variant was not observed in 5996 samples (11992 alleles) with coverage at this position. This amino acid position is not well conserved in available vertebrate species. In addition, this alteration is predicted to be tolerated by in silico analysis. Since supporting evidence is limited at this time, the clinical significance of this alteration remains unclear.

NM_001267550.2(TTN):c.54932T>C (p.Met18311Thr)

Genes: TTN (titin; minus strand), TTN-AS1 (TTN antisense RNA 1; plus strand). Cytogenetic location: 2q31.2.
Variant type: single nucleotide variant.
Coding change: c.54932T>C on transcript NM_001267550.2 (MANE Select); coding-DNA position 54932, T replaced by C.
Protein change: p.Met18311Thr; replaces methionine 18311 with threonine.
Molecular consequence: missense variant.
Genome position (GRCh38, 1-based): chr2:178,602,470, A>G on the plus strand (T>C on the coding strand, the complement: TTN is on the minus strand). VCF-style: chr2-178602470-A-G. GRCh37 (hg19) VCF-style: chr2-179467197-A-G.
Other names: c.50009T>C, p.Met16670Thr (NM_001256850.1); c.27737T>C, p.Met9246Thr (NM_003319.4); c.47228T>C, p.Met15743Thr (NM_133378.4); c.28112T>C, p.Met9371Thr (NM_133432.3); c.28313T>C, p.Met9438Thr (NM_133437.4); short protein forms M18311T, M9246T, M9371T, M9438T, M15743T, M16670T.
Identifiers: ClinVar variation 518515 (VCV000518515.6), dbSNP rs1553676016, ClinGen allele CA349546465.